The following is an entry in ClinVar:

NM_000051.4(ATM):c.3695_3713del (p.Ser1232fs)

Gene: ATM (ATM serine/threonine kinase; plus strand). Cytogenetic location: 11q22.3.
Variant type: Deletion.
Coding change: c.3695_3713del on transcript NM_000051.4 (MANE Select); coding-DNA positions 3695 to 3713, 19 bases deleted (CTTCTTTTCCTTTTATTTT).
Protein change: p.Ser1232fs; shifts the reading frame from serine 1232.
Molecular consequence: frameshift variant.
Genome position (GRCh38, 1-based): chr11:108,282,828-108,282,846, CTTCTTTTCCTTTTATTTT deleted; deleting any 19 consecutive bases within chr11:108,282,827-108,282,846 gives the same sequence; the c. name uses the placement nearest the transcript's 3' end. VCF-style (leftmost placement, unchanged base first): chr11-108282826-ATCTTCTTTTCCTTTTATTT-A. GRCh37 (hg19) VCF-style: chr11-108153553-ATCTTCTTTTCCTTTTATTT-A.
Other names: c.3695_3713del, p.Ser1232fs (NM_001351834.2); short protein forms S1232fs.
Identifiers: ClinVar variation 1705595 (VCV001705595.5), dbSNP rs2546880147, ClinGen allele CA2580083257.

ClinVar aggregate classification (germline): Pathogenic. Review status: criteria provided, multiple submitters, no conflicts (2 of 4 stars). 2 submissions from 2 submitters: Pathogenic (2). Last evaluated 2022-09-01.

Conditions:
Ataxia-telangiectasia syndrome (AT). Also called: Ataxia telangiectasia (A-T); Ataxia-telangiectasia, complementation group D; ATAXIA-TELANGIECTASIA, COMPLEMENTATION GROUP A; ATAXIA-TELANGIECTASIA, FRESNO VARIANT; Cerebello-oculocutaneous telangiectasia; Immunodeficiency with ataxia telangiectasia. Identifiers: Orphanet 100, MedGen C0004135, MONDO:0008840, OMIM 208900.

Submissions (2):

3billion
Classification: Pathogenic for Ataxia-telangiectasia syndrome. Last evaluated: 2022-09-01. Review status: criteria provided, single submitter. Criteria: ACMG Guidelines, 2015. Collection method: clinical testing. Allele origin: germline. Affected: yes. Observed: 1 homozygote.
Comment: The variant is not observed in the gnomAD v2.1.1 dataset. Frameshift variant is predicted to result in a loss or disruption of normal protein function through nonsense-mediated decay (NMD) or protein truncation. Multiple pathogenic variants are reported downstream of the variant. The variant has been reported to be associated with ATM-related disorder (PMID: 22213089). Therefore, this variant is classified as Pathogenic according to the recommendation of ACMG/AMP guideline.

Labcorp Genetics (formerly Invitae), Labcorp
Classification: Pathogenic for Ataxia-telangiectasia syndrome. Last evaluated: 2022-07-03. Review status: criteria provided, single submitter. Criteria: Invitae Variant Classification Sherloc (09022015). Collection method: clinical testing. Allele origin: germline.
Comment: For these reasons, this variant has been classified as Pathogenic. This premature translational stop signal has been observed in individual(s) with ataxia-telangiectasia (PMID: 22213089). This variant is not present in population databases (gnomAD no frequency). This sequence change creates a premature translational stop signal (p.Ser1232Tyrfs*2) in the ATM gene. It is expected to result in an absent or disrupted protein product. Loss-of-function variants in ATM are known to be pathogenic (PMID: 23807571, 25614872).

Literature cited by the submitters: PubMed 22213089 (cited by 3billion and Labcorp Genetics (formerly Invitae), Labcorp); PubMed 23807571 (cited by Labcorp Genetics (formerly Invitae), Labcorp); PubMed 25614872 (cited by Labcorp Genetics (formerly Invitae), Labcorp).